The following is an entry in ClinVar:

NM_001349798.2(FBXW7):c.1259A>T (p.His420Leu)

Gene: FBXW7 (F-box and WD repeat domain containing 7; minus strand). Cytogenetic location: 4q31.3.
Variant type: single nucleotide variant.
Coding change: c.1259A>T on transcript NM_001349798.2 (MANE Select); coding-DNA position 1259, A replaced by T.
Protein change: p.His420Leu; replaces histidine 420 with leucine.
Molecular consequence: missense variant.
Genome position (GRCh38, 1-based): chr4:152,328,367, T>A on the plus strand (A>T on the coding strand, the complement: FBXW7 is on the minus strand). VCF-style: chr4-152328367-T-A. GRCh37 (hg19) VCF-style: chr4-153249519-T-A.
Other names: c.905A>T, p.His302Leu (NM_001013415.2); c.1019A>T, p.His340Leu (NM_018315.5); c.1259A>T, p.His420Leu (NM_033632.3); short protein forms H302L, H340L, H420L.
Identifiers: ClinVar variation 1800495 (VCV001800495.1), dbSNP rs2126516184, ClinGen allele CA358619057.

ClinVar aggregate classification (germline): Likely pathogenic (1 of 4 stars; one submission).

Submission:

GeneDx
Classification: Likely pathogenic. Last evaluated: 2022-06-06. Review status: criteria provided, single submitter. Criteria: GeneDx Variant Classification Process June 2021. Collection method: clinical testing. Allele origin: germline. Affected: yes.
Comment: In silico analysis, which includes protein predictors and evolutionary conservation, supports a deleterious effect; Not observed in large population cohorts (gnomAD); This variant is associated with the following publications: (PMID: 35395208)